The following is an entry in ClinVar:

NM_001127222.2(CACNA1A):c.6550A>G (p.Thr2184Ala)

Gene: CACNA1A (calcium voltage-gated channel subunit alpha1 A; minus strand). Cytogenetic location: 19p13.13.
Variant type: single nucleotide variant.
Coding change: c.6550A>G on transcript NM_001127222.2 (MANE Select); coding-DNA position 6550, A replaced by G.
Protein change: p.Thr2184Ala; replaces threonine 2184 with alanine.
Molecular consequence: missense variant.
Genome position (GRCh38, 1-based): chr19:13,208,986, T>C on the plus strand (A>G on the coding strand, the complement: CACNA1A is on the minus strand). VCF-style: chr19-13208986-T-C. GRCh37 (hg19) VCF-style: chr19-13319800-T-C.
Other names: c.6568A>G, p.Thr2190Ala (NM_000068.4, NM_023035.3); c.6553A>G, p.Thr2185Ala (NM_001127221.2); c.6559A>G, p.Thr2187Ala (NM_001174080.2); short protein forms T2184A, T2185A, T2187A, T2190A.
Identifiers: ClinVar variation 1009917 (VCV001009917.36), dbSNP rs1028538547, ClinGen allele CA305547710.

ClinVar aggregate classification (germline): Conflicting classifications of pathogenicity. Review status: criteria provided, conflicting classifications (1 of 4 stars). 5 submissions from 5 submitters: Uncertain significance (4); Likely benign (1). Last evaluated 2025-12-23.

Conditions:
Episodic ataxia type 2 (EA2). Also called: ACETAZOLAMIDE-RESPONSIVE HEREDITARY PAROXYSMAL CEREBELLAR ATAXIA; CEREBELLAR ATAXIA, PAROXYSMAL, ACETAZOLAMIDE-RESPONSIVE; CEREBELLOPATHY, HEREDITARY PAROXYSMAL; EPISODIC ATAXIA, NYSTAGMUS-ASSOCIATED; ATAXIA, EPISODIC, WITH NYSTAGMUS; ATAXIA, FAMILIAL PAROXYSMAL. Identifiers: Orphanet 97, MedGen C1720416, MONDO:0007163, OMIM 108500.
Developmental and epileptic encephalopathy, 42 (DEE42A). Also called: Epileptic encephalopathy, early infantile, 42; DEVELOPMENTAL AND EPILEPTIC ENCEPHALOPATHY 42A; EPILEPTIC ENCEPHALOPATHY, EARLY INFANTILE, 42A. Identifiers: MedGen C4310716, MONDO:0014917, OMIM 617106.
Inborn genetic diseases. Identifiers: MedGen C0950123, MeSH D030342.

Allele frequency attached by ClinVar (database versions not stated): gnomAD exomes 0.00001 and 0.00004; TOPMed 0.00001; gnomAD 0.00002.
gnomAD v4.1: 56 of 1,537,102 alleles (0.0036%); highest among the groups gnomAD compares: Non-Finnish European, 0.0048%; no homozygotes.

Submissions (5):

Labcorp Genetics (formerly Invitae), Labcorp
Classification: Uncertain significance for Developmental and epileptic encephalopathy, 42; Episodic ataxia type 2. Last evaluated: 2025-12-23. Review status: criteria provided, single submitter. Criteria: Invitae Variant Classification Sherloc (09022015). Collection method: clinical testing. Allele origin: germline.
Comment: This sequence change replaces threonine, which is neutral and polar, with alanine, which is neutral and non-polar, at codon 2185 of the CACNA1A protein (p.Thr2185Ala). This variant is present in population databases (no rsID available, gnomAD 0.002%). This variant has not been reported in the literature in individuals affected with CACNA1A-related conditions. ClinVar contains an entry for this variant (Variation ID: 1009917). Invitae Evidence Modeling of protein sequence and biophysical properties (such as structural, functional, and spatial information, amino acid conservation, physicochemical variation, residue mobility, and thermodynamic stability) indicates that this missense variant is not expected to disrupt CACNA1A protein function with a negative predictive value of 95%. In summary, the available evidence is currently insufficient to determine the role of this variant in disease. Therefore, it has been classified as a Variant of Uncertain Significance.

CeGaT Center for Human Genetics Tuebingen
Classification: Uncertain significance. Last evaluated: 2025-04-01. Review status: criteria provided, single submitter. Criteria: CeGaT Center For Human Genetics Tuebingen Variant Classification Criteria Version 2. Collection method: clinical testing. Allele origin: germline. Affected: yes. Observed: 2 variant alleles.
Comment: CACNA1A: PM2:Supporting, PP3

Blueprint Genetics
Classification: Likely benign. Last evaluated: 2023-12-20. Review status: criteria provided, single submitter. Criteria: ACMG Guidelines, 2015. Collection method: clinical testing. Allele origin: germline.

Ambry Genetics
Classification: Uncertain significance for Inborn genetic diseases. Last evaluated: 2022-10-27. Review status: criteria provided, single submitter. Criteria: Ambry Variant Classification Scheme 2023. Collection method: clinical testing. Allele origin: germline.

Baylor Genetics
Classification: Uncertain significance for Developmental and epileptic encephalopathy, 42. Last evaluated: 2019-02-22. Review status: criteria provided, single submitter. Criteria: ACMG Guidelines, 2015. Collection method: clinical testing. Allele origin: paternal. Affected: yes.
Comment: This variant was determined to be of uncertain significance according to ACMG Guidelines, 2015 [PMID:25741868].